The following is an entry in ClinVar:

NM_006348.5(COG5):c.482A>G (p.Gln161Arg)

Gene: COG5 (component of oligomeric golgi complex 5; minus strand). Cytogenetic location: 7q22.3.
Variant type: single nucleotide variant.
Coding change: c.482A>G on transcript NM_006348.5 (MANE Select); coding-DNA position 482, A replaced by G.
Protein change: p.Gln161Arg; replaces glutamine 161 with arginine.
Molecular consequence: missense variant. On other transcripts: intron variant (1).
Genome position (GRCh38, 1-based): chr7:107,527,293, T>C on the plus strand (A>G on the coding strand, the complement: COG5 is on the minus strand). VCF-style: chr7-107527293-T-C. GRCh37 (hg19) VCF-style: chr7-107167738-T-C.
Other names: c.482A>G, p.Gln161Arg (NM_001161520.2, NM_001379511.1, NM_001379512.1 and 4 more transcripts); c.234+30683A>G (NM_001379516.1); c.575A>G (NM_006348.3); short protein forms Q161R.
Identifiers: ClinVar variation 1415153 (VCV001415153.9), dbSNP rs141580311, ClinGen allele CA164192509.

ClinVar aggregate classification (germline): Uncertain significance. Review status: criteria provided, multiple submitters, no conflicts (2 of 4 stars). 2 submissions from 2 submitters: Uncertain significance (2). Last evaluated 2025-01-23.

Conditions:
COG5-congenital disorder of glycosylation. Also called: CDG IIi; CONGENITAL DISORDER OF GLYCOSYLATION, TYPE IIi; COG5-CDG. Identifiers: Orphanet 263487, MedGen C3150876, MONDO:0013325, OMIM 613612.
Inborn genetic diseases. Identifiers: MedGen C0950123, MeSH D030342.

Allele frequency attached by ClinVar (database versions not stated): gnomAD exomes 0.00002; TOPMed 0.00002; ESP Exome Variant Server 0.00008.

Submissions (2):

Ambry Genetics
Classification: Uncertain significance for Inborn genetic diseases. Last evaluated: 2025-01-23. Review status: criteria provided, single submitter. Criteria: Ambry Variant Classification Scheme 2023. Collection method: clinical testing. Allele origin: germline.

Labcorp Genetics (formerly Invitae), Labcorp
Classification: Uncertain significance for COG5-congenital disorder of glycosylation. Last evaluated: 2023-07-17. Review status: criteria provided, single submitter. Criteria: Invitae Variant Classification Sherloc (09022015). Collection method: clinical testing. Allele origin: germline.
Comment: Advanced modeling of protein sequence and biophysical properties (such as structural, functional, and spatial information, amino acid conservation, physicochemical variation, residue mobility, and thermodynamic stability) performed at Invitae indicates that this missense variant is expected to disrupt COG5 protein function. In summary, the available evidence is currently insufficient to determine the role of this variant in disease. Therefore, it has been classified as a Variant of Uncertain Significance. ClinVar contains an entry for this variant (Variation ID: 1415153). This variant has not been reported in the literature in individuals affected with COG5-related conditions. This variant is not present in population databases (gnomAD no frequency). This sequence change replaces glutamine, which is neutral and polar, with arginine, which is basic and polar, at codon 192 of the COG5 protein (p.Gln192Arg).